The following is an entry in ClinVar:

NM_005188.4(CBL):c.2434+15dup

Gene: CBL (Cbl proto-oncogene; plus strand). Cytogenetic location: 11q23.3.
Variant type: Duplication.
Coding change: c.2434+15dup on transcript NM_005188.4 (MANE Select); 15 bases into the intron after coding-DNA position 2434, one base duplicated (T; older notation c.2434+15dupT).
Molecular consequence: intron variant.
Genome position (GRCh38, 1-based): chr11:119,298,555, T duplicated. VCF-style (leftmost placement, unchanged base first): chr11-119298554-C-CT. GRCh37 (hg19) VCF-style: chr11-119169264-C-CT.
Other names: c.2434+15dupT (NM_005188.3).
Identifiers: ClinVar variation 517150 (VCV000517150.7), dbSNP rs397517079, ClinGen allele CA135727.

ClinVar aggregate classification (germline): Likely benign. Review status: criteria provided, multiple submitters, no conflicts (2 of 4 stars). 2 submissions from 2 submitters: Likely benign (2). Last evaluated 2024-10-24.

Conditions:
RASopathy. Also called: Noonan spectrum disorder; rasopathies. Identifiers: Orphanet 536391, MedGen C5555857, MONDO:0021060.

Allele frequency attached by ClinVar (database versions not stated): TOPMed below 0.00001; gnomAD exomes 0.00001.

Submissions (2):

Labcorp Genetics (formerly Invitae), Labcorp
Classification: Likely benign for RASopathy. Last evaluated: 2024-10-24. Review status: criteria provided, single submitter. Criteria: Invitae Variant Classification Sherloc (09022015). Collection method: clinical testing. Allele origin: germline.

Laboratory for Molecular Medicine, Mass General Brigham Personalized Medicine
Classification: Likely benign. Last evaluated: 2012-12-18. Review status: criteria provided, single submitter. Criteria: LMM Criteria. Collection method: clinical testing. Allele origin: germline. Observed: 1 variant allele.
Comment: c.2434+15_2434+16insT in intron 15 of CBL: This variant is not expected to have clinical significance because it shifts but does not alter the splice consensus sequence.